The following is an entry in ClinVar:

ClinVar aggregate classification (germline): Uncertain significance. Review status: criteria provided, multiple submitters, no conflicts (2 of 4 stars). 3 submissions from 3 submitters: Uncertain significance (3). Last evaluated 2024-06-03.

Conditions:
ALG1-congenital disorder of glycosylation. Also called: CDG Ik; CONGENITAL DISORDER OF GLYCOSYLATION, TYPE Ik; ALG1-CDG. Identifiers: Orphanet 79327, MedGen C2931005, MONDO:0012052, OMIM 608540.

Allele frequency attached by ClinVar (database versions not stated): gnomAD exomes below 0.00001 and 0.00001; ExAC 0.00001; ESP Exome Variant Server 0.00008; gnomAD 0.00009 and 0.00011; TOPMed 0.00012.

Submissions (3):

Mayo Clinic Laboratories, Mayo Clinic
Classification: Uncertain significance. Last evaluated: 2024-06-03. Review status: criteria provided, single submitter. Criteria: ACMG Guidelines, 2015. Collection method: clinical testing. Allele origin: germline. Observed: 1 variant allele.

Fulgent Genetics
Classification: Uncertain significance for ALG1-congenital disorder of glycosylation. Last evaluated: 2024-05-17. Review status: criteria provided, single submitter. Criteria: ACMG Guidelines, 2015. Collection method: clinical testing. Allele origin: germline.

Labcorp Genetics (formerly Invitae), Labcorp
Classification: Uncertain significance for ALG1-congenital disorder of glycosylation. Last evaluated: 2022-07-12. Review status: criteria provided, single submitter. Criteria: Invitae Variant Classification Sherloc (09022015). Collection method: clinical testing. Allele origin: germline.
Comment: This sequence change replaces alanine, which is neutral and non-polar, with valine, which is neutral and non-polar, at codon 95 of the ALG1 protein (p.Ala95Val). This variant is present in population databases (rs368284764, gnomAD 0.02%). This variant has not been reported in the literature in individuals affected with ALG1-related conditions. ClinVar contains an entry for this variant (Variation ID: 1497909). Algorithms developed to predict the effect of missense changes on protein structure and function (SIFT, PolyPhen-2, Align-GVGD) all suggest that this variant is likely to be tolerated. Algorithms developed to predict the effect of sequence changes on RNA splicing suggest that this variant may disrupt the consensus splice site. In summary, the available evidence is currently insufficient to determine the role of this variant in disease. Therefore, it has been classified as a Variant of Uncertain Significance.

NM_019109.5(ALG1):c.284C>T (p.Ala95Val)

Gene: ALG1 (ALG1 chitobiosyldiphosphodolichol beta-mannosyltransferase; plus strand). Cytogenetic location: 16p13.3.
Variant type: single nucleotide variant.
Coding change: c.284C>T on transcript NM_019109.5 (MANE Select); coding-DNA position 284, C replaced by T.
Protein change: p.Ala95Val; replaces alanine 95 with valine.
Molecular consequence: missense variant. On other transcripts: 5 prime UTR variant (1).
Genome position (GRCh38, 1-based): chr16:5,073,026, C>T. VCF-style: chr16-5073026-C-T. GRCh37 (hg19) VCF-style: chr16-5123027-C-T.
Other names: p.Ala95Val; c.-50C>T (NM_001330504.2); short protein forms A95V.
Identifiers: ClinVar variation 1497909 (VCV001497909.5), dbSNP rs368284764, ClinGen allele CA7889750.